The following is an entry in ClinVar:

NM_020738.4(KIDINS220):c.2077C>G (p.Leu693Val)

Gene: KIDINS220 (kinase D interacting substrate 220; minus strand). Cytogenetic location: 2p25.1.
Variant type: single nucleotide variant.
Coding change: c.2077C>G on transcript NM_020738.4 (MANE Select); coding-DNA position 2077, C replaced by G.
Protein change: p.Leu693Val; replaces leucine 693 with valine.
Molecular consequence: missense variant. On other transcripts: non-coding transcript variant (2).
Genome position (GRCh38, 1-based): chr2:8,785,893, G>C on the plus strand (C>G on the coding strand, the complement: KIDINS220 is on the minus strand). VCF-style: chr2-8785893-G-C. GRCh37 (hg19) VCF-style: chr2-8926023-G-C.
Other names: c.2080C>G, p.Leu694Val (NM_001348729.2, NM_001348731.2, NM_001348734.2 and 3 more transcripts); c.2077C>G, p.Leu693Val (NM_001348732.2, NM_001348735.2, NM_001348738.2 and 3 more transcripts); c.1951C>G, p.Leu651Val (NM_001348736.2); short protein forms L651V, L693V, L694V.
Identifiers: ClinVar variation 3353074 (VCV003353074.1).
Genomic context (GRCh38, chr2:8,785,893, plus strand): 5'-GCCACCATGTACGACAGTTCAACACAAAGGCCAATCCCACTACAGATGCGATTGATATGA[G>C]GACAGCATTTACAGTCAGATGCTTTGGGTCAACTCTAAATATAGCCAGAAGAGTAATTCC-3'
Protein context (NP_065789.1, residues 683-703): DPKHLTVNAV[Leu693Val]ISIASVVGLA

ClinVar aggregate classification (germline): Uncertain significance (0 of 4 stars; one submission).

Conditions:
KIDINS220-related disorder. Also called: KIDINS220-related condition.

gnomAD v4.1: 1 of 1,613,956 alleles (0.000062%); highest among the groups gnomAD compares: Admixed American, 0.0017%; no homozygotes.

Submission:

PreventionGenetics, part of Exact Sciences
Classification: Uncertain significance for KIDINS220-related condition. Last evaluated: 2024-09-04. Review status: no assertion criteria provided. Collection method: clinical testing. Allele origin: germline.
Comment: The KIDINS220 c.2077C>G variant is predicted to result in the amino acid substitution p.Leu693Val. To our knowledge, this variant has not been reported in the literature or in gnomAD, indicating this variant is rare. At this time, the clinical significance of this variant is uncertain due to the absence of conclusive functional and genetic evidence.